The following is an entry in ClinVar:

ClinVar aggregate classification (germline): Uncertain significance. Review status: criteria provided, multiple submitters, no conflicts (2 of 4 stars). 2 submissions from 2 submitters: Uncertain significance (2). Last evaluated 2025-01-17.

Conditions:
Hereditary cancer-predisposing syndrome. Also called: Hereditary Cancer Syndrome; Tumor predisposition; Hereditary neoplastic syndrome; Neoplastic Syndromes, Hereditary. Identifiers: Orphanet 140162, MedGen C0027672, MeSH D009386, MONDO:0015356.

gnomAD v4.1: 2 of 1,612,304 alleles (0.00012%); highest among the groups gnomAD compares: Non-Finnish European, 0.00017%; no homozygotes.

Submissions (2):

Ambry Genetics
Classification: Uncertain significance for Hereditary cancer-predisposing syndrome. Last evaluated: 2025-01-17. Review status: criteria provided, single submitter. Criteria: Ambry Variant Classification Scheme 2023. Collection method: clinical testing. Allele origin: germline.
Comment: The p.I763V variant (also known as c.2287A>G), located in coding exon 15 of the CTNNA1 gene, results from an A to G substitution at nucleotide position 2287. The isoleucine at codon 763 is replaced by valine, an amino acid with highly similar properties. This amino acid position is conserved. In addition, this alteration is predicted to be tolerated by in silico analysis. Based on the available evidence, the clinical significance of this variant remains unclear.

Labcorp Genetics (formerly Invitae), Labcorp
Classification: Uncertain significance. Last evaluated: 2025-01-06. Review status: criteria provided, single submitter. Criteria: Invitae Variant Classification Sherloc (09022015). Collection method: clinical testing. Allele origin: germline.
Comment: This sequence change replaces isoleucine, which is neutral and non-polar, with valine, which is neutral and non-polar, at codon 763 of the CTNNA1 protein (p.Ile763Val). This variant is not present in population databases (gnomAD no frequency). This variant has not been reported in the literature in individuals affected with CTNNA1-related conditions. ClinVar contains an entry for this variant (Variation ID: 1415775). Invitae Evidence Modeling of protein sequence and biophysical properties (such as structural, functional, and spatial information, amino acid conservation, physicochemical variation, residue mobility, and thermodynamic stability) indicates that this missense variant is not expected to disrupt CTNNA1 protein function with a negative predictive value of 80%. In summary, the available evidence is currently insufficient to determine the role of this variant in disease. Therefore, it has been classified as a Variant of Uncertain Significance.

NM_001903.5(CTNNA1):c.2287A>G (p.Ile763Val)

Gene: CTNNA1 (catenin alpha 1; plus strand). Cytogenetic location: 5q31.2.
Variant type: single nucleotide variant.
Coding change: c.2287A>G on transcript NM_001903.5 (MANE Select); coding-DNA position 2287, A replaced by G.
Protein change: p.Ile763Val; replaces isoleucine 763 with valine.
Molecular consequence: missense variant.
Genome position (GRCh38, 1-based): chr5:138,930,924, A>G. VCF-style: chr5-138930924-A-G. GRCh37 (hg19) VCF-style: chr5-138266613-A-G.
Other names: c.2287A>G, p.Ile763Val (NM_001290307.3, NM_001323982.2, NM_001323983.1 and 2 more transcripts); c.1978A>G, p.Ile660Val (NM_001290309.3); c.1918A>G, p.Ile640Val (NM_001290310.3); c.1177A>G, p.Ile393Val (NM_001290312.1, NM_001323987.1, NM_001323988.1 and 17 more transcripts); c.2194A>G, p.Ile732Val (NM_001323986.2); c.838A>G, p.Ile280Val (NM_001324006.1, NM_001324007.1, NM_001324008.1 and 2 more transcripts); c.1084A>G, p.Ile362Val (NM_001324011.1); c.934A>G, p.Ile312Val (NM_001324012.1, NM_001324013.1); and 1 more; short protein forms I312V, I362V, I640V, I763V, I280V, I393V, I660V, I732V.
Identifiers: ClinVar variation 1415775 (VCV001415775.9), dbSNP rs2150337545, ClinGen allele CA361133954.